The following is an entry in ClinVar:

NM_001267550.2(TTN):c.38187G>A (p.Pro12729=)

Gene: TTN (titin; minus strand). Cytogenetic location: 2q31.2.
Variant type: single nucleotide variant.
Coding change: c.38187G>A on transcript NM_001267550.2 (MANE Select); coding-DNA position 38187, G replaced by A.
Protein change: p.Pro12729=; no amino-acid change (proline 12729 retained).
Molecular consequence: synonymous variant. On other transcripts: intron variant (5).
Genome position (GRCh38, 1-based): chr2:178,654,764, C>T on the plus strand (G>A on the coding strand, the complement: TTN is on the minus strand). VCF-style: chr2-178654764-C-T. GRCh37 (hg19) VCF-style: chr2-179519491-C-T.
Other names: c.13283-12447G>A (NM_003319.4); c.13859-12447G>A (NM_133437.4); c.13658-12447G>A (NM_133432.3); c.31742-2223G>A (NM_133378.4); c.34523-2223G>A (NM_001256850.1).
Identifiers: ClinVar variation 3024677 (VCV003024677.22), dbSNP rs1256044314, ClinGen allele CA430111779.

ClinVar aggregate classification (germline): Likely benign (1 of 4 stars; one submission).

Submission:

CeGaT Center for Human Genetics Tuebingen
Classification: Likely benign. Last evaluated: 2026-03-01. Review status: criteria provided, single submitter. Criteria: CeGaT Center For Human Genetics Tuebingen Variant Classification Criteria Version 2. Collection method: clinical testing. Allele origin: germline. Affected: yes. Observed: 2 variant alleles.
Comment: TTN: BP4, BP7